The following is an entry in ClinVar:

NM_006231.4(POLE):c.5802C>A (p.His1934Gln)

Gene: POLE (DNA polymerase epsilon, catalytic subunit; minus strand). Cytogenetic location: 12q24.33.
Variant type: single nucleotide variant.
Coding change: c.5802C>A on transcript NM_006231.4 (MANE Select); coding-DNA position 5802, C replaced by A.
Protein change: p.His1934Gln; replaces histidine 1934 with glutamine.
Molecular consequence: missense variant.
Genome position (GRCh38, 1-based): chr12:132,635,901, G>T on the plus strand (C>A on the coding strand, the complement: POLE is on the minus strand). VCF-style: chr12-132635901-G-T. GRCh37 (hg19) VCF-style: chr12-133212487-G-T.
Other names: short protein forms H1934Q.
Identifiers: ClinVar variation 3225491 (VCV003225491.1), dbSNP rs1428603673, ClinGen allele CA387372707.

ClinVar aggregate classification (germline): Uncertain significance (1 of 4 stars; one submission).

Conditions:
Hereditary cancer-predisposing syndrome. Also called: Neoplastic Syndromes, Hereditary; Tumor predisposition; Hereditary neoplastic syndrome; Hereditary Cancer Syndrome. Identifiers: Orphanet 140162, MedGen C0027672, MeSH D009386, MONDO:0015356.

Submission:

Ambry Genetics
Classification: Uncertain significance for Hereditary cancer-predisposing syndrome. Last evaluated: 2023-12-04. Review status: criteria provided, single submitter. Criteria: Ambry Variant Classification Scheme 2023. Collection method: clinical testing. Allele origin: germline.
Comment: The p.H1934Q variant (also known as c.5802C>A), located in coding exon 42 of the POLE gene, results from a C to A substitution at nucleotide position 5802. The histidine at codon 1934 is replaced by glutamine, an amino acid with highly similar properties. This amino acid position is conserved. In addition, this alteration is predicted to be tolerated by in silico analysis. Since supporting evidence is limited at this time, the clinical significance of this alteration remains unclear.